The following is an entry in ClinVar:

NM_005121.3(MED13):c.5611G>A (p.Gly1871Arg)

Gene: MED13 (mediator complex subunit 13; minus strand). Cytogenetic location: 17q23.2.
Variant type: single nucleotide variant.
Coding change: c.5611G>A on transcript NM_005121.3 (MANE Select); coding-DNA position 5611, G replaced by A.
Protein change: p.Gly1871Arg; replaces glycine 1871 with arginine.
Molecular consequence: missense variant.
Genome position (GRCh38, 1-based): chr17:61,956,351, C>T on the plus strand (G>A on the coding strand, the complement: MED13 is on the minus strand). VCF-style: chr17-61956351-C-T. GRCh37 (hg19) VCF-style: chr17-60033712-C-T.
Other names: short protein forms G1871R.
Identifiers: ClinVar variation 5037736 (VCV005037736.1).

ClinVar aggregate classification (germline): Uncertain significance (1 of 4 stars; one submission).

gnomAD v4.1: 1 of 1,610,458 alleles (0.000062%); highest among the groups gnomAD compares: South Asian, 0.0011%; no homozygotes.

Submission:

GeneDx
Classification: Uncertain significance. Last evaluated: 2026-04-13. Review status: criteria provided, single submitter. Criteria: GeneDx Variant Classification Process June 2021. Collection method: clinical testing. Allele origin: germline.
Comment: Not observed at significant frequency in large population cohorts (gnomAD); In silico analysis supports that this missense variant has a deleterious effect on protein structure/function; Has not been previously published as pathogenic or benign to our knowledge